The following is an entry in ClinVar:

NM_001376.5(DYNC1H1):c.2956A>G (p.Met986Val)

Genes: DYNC1H1 (dynein cytoplasmic 1 heavy chain 1; plus strand), LOC130056502 (ATAC-STARR-seq lymphoblastoid active region 9063; plus strand). Cytogenetic location: 14q32.31.
Variant type: single nucleotide variant.
Coding change: c.2956A>G on transcript NM_001376.5 (MANE Select); coding-DNA position 2956, A replaced by G.
Protein change: p.Met986Val; replaces methionine 986 with valine.
Molecular consequence: missense variant.
Genome position (GRCh38, 1-based): chr14:101,991,614, A>G. VCF-style: chr14-101991614-A-G. GRCh37 (hg19) VCF-style: chr14-102457951-A-G.
Other names: short protein forms M986V.
Identifiers: ClinVar variation 2103215 (VCV002103215.4), dbSNP rs2047999057, ClinGen allele CA391030515.

ClinVar aggregate classification (germline): Uncertain significance (1 of 4 stars; one submission).

Conditions:
Charcot-Marie-Tooth disease axonal type 2O. Also called: Charcot-Marie-Tooth disease, axonal, type 20; CHARCOT-MARIE-TOOTH NEUROPATHY, AXONAL, TYPE 2O; CHARCOT-MARIE-TOOTH DISEASE, AXONAL, AUTOSOMAL DOMINANT, TYPE 2O; Charcot-Marie-Tooth Neuropathy Type 2O. Identifiers: Orphanet 284232, MedGen C3280220, MONDO:0013644, OMIM 614228.

Allele frequency attached by ClinVar (database versions not stated): TOPMed below 0.00001; gnomAD 0.00001.
gnomAD v4.1: 1 of 1,614,096 alleles (0.000062%); highest among the groups gnomAD compares: Non-Finnish European, 0.000085%; no homozygotes.

Submission:

Labcorp Genetics (formerly Invitae), Labcorp
Classification: Uncertain significance for Charcot-Marie-Tooth disease axonal type 2O. Last evaluated: 2022-04-15. Review status: criteria provided, single submitter. Criteria: Invitae Variant Classification Sherloc (09022015). Collection method: clinical testing. Allele origin: germline.
Comment: In summary, the available evidence is currently insufficient to determine the role of this variant in disease. Therefore, it has been classified as a Variant of Uncertain Significance. This sequence change replaces methionine, which is neutral and non-polar, with valine, which is neutral and non-polar, at codon 986 of the DYNC1H1 protein (p.Met986Val). This variant is not present in population databases (gnomAD no frequency). This variant has not been reported in the literature in individuals affected with DYNC1H1-related conditions. Advanced modeling of protein sequence and biophysical properties (such as structural, functional, and spatial information, amino acid conservation, physicochemical variation, residue mobility, and thermodynamic stability) performed at Invitae indicates that this missense variant is not expected to disrupt DYNC1H1 protein function.